The following is an entry in ClinVar:

ClinVar aggregate classification (germline): Uncertain significance (1 of 4 stars; one submission).

Allele frequency attached by ClinVar (database versions not stated): TOPMed below 0.00001.
gnomAD v4.1: 3 of 1,548,902 alleles (0.00019%); highest among the groups gnomAD compares: Non-Finnish European, 0.00026%; no homozygotes.

Submission:

Labcorp Genetics (formerly Invitae), Labcorp
Classification: Uncertain significance. Last evaluated: 2021-10-27. Review status: criteria provided, single submitter. Criteria: Invitae Variant Classification Sherloc (09022015). Collection method: clinical testing. Allele origin: germline.
Comment: In summary, the available evidence is currently insufficient to determine the role of this variant in disease. Therefore, it has been classified as a Variant of Uncertain Significance. Algorithms developed to predict the effect of missense changes on protein structure and function are either unavailable or do not agree on the potential impact of this missense change (SIFT: "Not Available"; PolyPhen-2: "Benign"; Align-GVGD: "Not Available"). This variant has not been reported in the literature in individuals affected with UNC80-related conditions. This variant is not present in population databases (gnomAD no frequency). This sequence change replaces glutamine, a(n) neutral and polar amino acid, with arginine, a(n) basic and polar amino acid, at codon 3029 of the UNC80 protein (p.Gln3029Arg).

NM_001371986.1(UNC80):c.9284A>G (p.Gln3095Arg)

Gene: UNC80 (unc-80 subunit of NALCN channel complex; plus strand). Cytogenetic location: 2q34.
Variant type: single nucleotide variant.
Coding change: c.9284A>G on transcript NM_001371986.1 (MANE Select); coding-DNA position 9284, A replaced by G.
Protein change: p.Gln3095Arg; replaces glutamine 3095 with arginine.
Molecular consequence: missense variant. On other transcripts: intron variant (1).
Genome position (GRCh38, 1-based): chr2:209,984,882, A>G. VCF-style: chr2-209984882-A-G. GRCh37 (hg19) VCF-style: chr2-210849606-A-G.
Other names: c.9086A>G, p.Gln3029Arg (NM_032504.2); c.9044+2565A>G (NM_182587.4); short protein forms Q3095R, Q3029R.
Identifiers: ClinVar variation 1359618 (VCV001359618.6), dbSNP rs1434592182, ClinGen allele CA350415166.
Genomic context (GRCh38, chr2:209,984,882, plus strand): 5'-CCCTAAATGCTTCATCTCCCTACCCCTCCTGCAGTGAACCTAATGTCCTCGATGACTCCC[A>G]GGGCCTGGCCGCCGAGGGCAGCCTCTCTAGGTACAGTGTCAATGCTACCTGTCTATTGGT-3'
Protein context (NP_001358915.1, residues 3085-3105): QSEPNVLDDS[Gln3095Arg]GLAAEGSLSR